The following is an entry in ClinVar:

NC_000019.9:g.(?_1496264)_(1496472_?)del

Gene: REEP6 (receptor accessory protein 6; plus strand). Cytogenetic location: 19p13.3.
Variant type: Deletion.
Identifiers: ClinVar variation 1073441 (VCV001073441.6).

ClinVar aggregate classification (germline): Pathogenic (1 of 4 stars; one submission).

Submission:

Labcorp Genetics (formerly Invitae), Labcorp
Classification: Pathogenic. Last evaluated: 2022-08-16. Review status: criteria provided, single submitter. Criteria: Invitae Variant Classification Sherloc (09022015). Collection method: clinical testing. Allele origin: germline.
Comment: For these reasons, this variant has been classified as Pathogenic. This variant has not been reported in the literature in individuals affected with REEP6-related conditions. This variant is a gross deletion of the genomic region encompassing exon(s) 4 of the REEP6 gene. This deletion is out-of-frame, and is expected to create a premature termination codon and result in an absent or disrupted protein product. Loss-of-function variants in REEP6 are known to be pathogenic (PMID: 27889058, 29120066).

Literature cited by the submitters: PubMed 27889058; PubMed 29120066.